The following is an entry in ClinVar:

ClinVar aggregate classification (germline): Uncertain significance (1 of 4 stars; one submission).

Conditions:
Dyskeratosis congenita. Identifiers: Orphanet 1775, MedGen C0265965, MONDO:0015780.

gnomAD v4.1: 5 of 1,614,142 alleles (0.00031%); highest among the groups gnomAD compares: Non-Finnish European, 0.00034%; no homozygotes.

Submission:

Labcorp Genetics (formerly Invitae), Labcorp
Classification: Uncertain significance for Dyskeratosis congenita. Last evaluated: 2024-03-11. Review status: criteria provided, single submitter. Criteria: Invitae Variant Classification Sherloc (09022015). Collection method: clinical testing. Allele origin: germline.
Comment: This sequence change replaces histidine, which is basic and polar, with arginine, which is basic and polar, at codon 85 of the TINF2 protein (p.His85Arg). This variant is not present in population databases (gnomAD no frequency). This variant has not been reported in the literature in individuals affected with TINF2-related conditions. Algorithms developed to predict the effect of missense changes on protein structure and function output the following: SIFT: "Not Available"; PolyPhen-2: "Benign"; Align-GVGD: "Not Available". The arginine amino acid residue is found in multiple mammalian species, which suggests that this missense change does not adversely affect protein function. In summary, the available evidence is currently insufficient to determine the role of this variant in disease. Therefore, it has been classified as a Variant of Uncertain Significance.

NM_001099274.3(TINF2):c.254A>G (p.His85Arg)

Gene: TINF2 (TERF1 interacting nuclear factor 2; minus strand). Cytogenetic location: 14q12.
Variant type: single nucleotide variant.
Coding change: c.254A>G on transcript NM_001099274.3 (MANE Select); coding-DNA position 254, A replaced by G.
Protein change: p.His85Arg; replaces histidine 85 with arginine.
Molecular consequence: missense variant. On other transcripts: intron variant (1).
Genome position (GRCh38, 1-based): chr14:24,241,933, T>C on the plus strand (A>G on the coding strand, the complement: TINF2 is on the minus strand). VCF-style: chr14-24241933-T-C. GRCh37 (hg19) VCF-style: chr14-24711139-T-C.
Other names: c.254A>G, p.His85Arg (NM_012461.3); c.193-157A>G (NM_001363668.2); short protein forms H85R.
Identifiers: ClinVar variation 3689939 (VCV003689939.2).